The following is an entry in ClinVar:

ClinVar aggregate classification (germline): Pathogenic (1 of 4 stars; one submission).

Conditions:
Inflammatory skin and bowel disease, neonatal, 1. Identifiers: Orphanet 294023, MedGen C3280501, MONDO:0013693, OMIM 614328.

Allele frequency attached by ClinVar (database versions not stated): gnomAD 0.00001; TOPMed 0.00002.

Submission:

Labcorp Genetics (formerly Invitae), Labcorp
Classification: Pathogenic for Inflammatory skin and bowel disease, neonatal, 1. Last evaluated: 2022-02-08. Review status: criteria provided, single submitter. Criteria: Invitae Variant Classification Sherloc (09022015). Collection method: clinical testing. Allele origin: germline.
Comment: For these reasons, this variant has been classified as Pathogenic. This variant has not been reported in the literature in individuals affected with ADAM17-related conditions. This variant is not present in population databases (gnomAD no frequency). This sequence change creates a premature translational stop signal (p.Ser330Tyrfs*22) in the ADAM17 gene. It is expected to result in an absent or disrupted protein product. Loss-of-function variants in ADAM17 are known to be pathogenic (PMID: 22010916, 25804906).

Literature cited by the submitters: PubMed 22010916; PubMed 25804906.

NM_003183.6(ADAM17):c.987_988dup (p.Ser330fs)

Gene: ADAM17 (ADAM metallopeptidase domain 17; minus strand). Cytogenetic location: 2p25.1.
Variant type: Duplication.
Coding change: c.987_988dup on transcript NM_003183.6 (MANE Select); coding-DNA positions 987 to 988, 2 bases duplicated (AT; older notation c.987_988dupAT).
Protein change: p.Ser330fs; shifts the reading frame from serine 330.
Molecular consequence: frameshift variant.
Genome position (GRCh38, 1-based): chr2:9,518,217-9,518,218, AT duplicated on the plus strand (AT on the coding strand, the reverse complement: ADAM17 is on the minus strand). VCF-style (leftmost placement, unchanged base first): chr2-9518216-G-GAT. GRCh37 (hg19) VCF-style: chr2-9658345-G-GAT.
Other names: c.327_328dup, p.Ser110fs (NM_001382777.1); c.90_91dup, p.Ser31fs (NM_001382778.1); short protein forms S31fs, S110fs, S330fs.
Identifiers: ClinVar variation 1459451 (VCV001459451.6), dbSNP rs1000050918, ClinGen allele CA42380790.